The following is an entry in ClinVar:

ClinVar aggregate classification (germline): Likely benign (1 of 4 stars; one submission).

Allele frequency attached by ClinVar (database versions not stated): 1000 Genomes Project 30x 0.00031; 1000 Genomes Project 0.00040; TOPMed 0.00127; ESP Exome Variant Server 0.00215; ExAC 0.00312; gnomAD 0.00318.
gnomAD v4.1: 3,470 of 1,614,154 alleles (0.21%); highest among the groups gnomAD compares: Non-Finnish European, 0.18%; 22 homozygotes.

Submission:

CeGaT Center for Human Genetics Tuebingen
Classification: Likely benign. Last evaluated: 2025-11-01. Review status: criteria provided, single submitter. Criteria: CeGaT Center For Human Genetics Tuebingen Variant Classification Criteria Version 2. Collection method: clinical testing. Allele origin: germline. Affected: yes. Observed: 2 variant alleles.
Comment: SERPINA12: BS1

NM_001382267.1(SERPINA12):c.980G>A (p.Gly327Asp)

Gene: SERPINA12 (serpin family A member 12; minus strand). Cytogenetic location: 14q32.13.
Variant type: single nucleotide variant.
Coding change: c.980G>A on transcript NM_001382267.1 (MANE Select); coding-DNA position 980, G replaced by A.
Protein change: p.Gly327Asp; replaces glycine 327 with aspartic acid.
Molecular consequence: missense variant.
Genome position (GRCh38, 1-based): chr14:94,489,693, C>T on the plus strand (G>A on the coding strand, the complement: SERPINA12 is on the minus strand). VCF-style: chr14-94489693-C-T. GRCh37 (hg19) VCF-style: chr14-94956030-C-T.
Other names: c.980G>A, p.Gly327Asp (NM_001304461.2, NM_173850.4); short protein forms G327D.
Identifiers: ClinVar variation 3067196 (VCV003067196.21), dbSNP rs142210723, ClinGen allele CA7328494.